The following is an entry in ClinVar:

ClinVar aggregate classification (germline): Uncertain significance (1 of 4 stars; one submission).

gnomAD v4.1: 2 of 1,610,832 alleles (0.00012%); highest among the groups gnomAD compares: Non-Finnish European, 0.00017%; no homozygotes.

Submission:

Labcorp Genetics (formerly Invitae), Labcorp
Classification: Uncertain significance. Last evaluated: 2025-10-11. Review status: criteria provided, single submitter. Criteria: Invitae Variant Classification Sherloc (09022015). Collection method: clinical testing. Allele origin: germline.
Comment: This sequence change replaces glutamic acid, which is acidic and polar, with lysine, which is basic and polar, at codon 183 of the LMX1B protein (p.Glu183Lys). This variant is present in population databases (rs770092941, gnomAD 0.0009%). This variant has not been reported in the literature in individuals affected with LMX1B-related conditions. Invitae Evidence Modeling of protein sequence and biophysical properties (such as structural, functional, and spatial information, amino acid conservation, physicochemical variation, residue mobility, and thermodynamic stability) indicates that this missense variant is not expected to disrupt LMX1B protein function with a negative predictive value of 80%. In summary, the available evidence is currently insufficient to determine the role of this variant in disease. Therefore, it has been classified as a Variant of Uncertain Significance.

NM_001174147.2(LMX1B):c.547G>A (p.Glu183Lys)

Gene: LMX1B (LIM homeobox transcription factor 1 beta; plus strand). Cytogenetic location: 9q33.3.
Variant type: single nucleotide variant.
Coding change: c.547G>A on transcript NM_001174147.2 (MANE Select); coding-DNA position 547, G replaced by A.
Protein change: p.Glu183Lys; replaces glutamic acid 183 with lysine.
Molecular consequence: missense variant.
Genome position (GRCh38, 1-based): chr9:126,691,056, G>A. VCF-style: chr9-126691056-G-A. GRCh37 (hg19) VCF-style: chr9-129453335-G-A.
Other names: c.547G>A, p.Glu183Lys (NM_001174146.2, NM_002316.4); short protein forms E183K.
Identifiers: ClinVar variation 4770172 (VCV004770172.1).